The following is an entry in ClinVar:

ClinVar aggregate classification (germline): Benign/Likely benign. Review status: criteria provided, multiple submitters, no conflicts (2 of 4 stars). 3 submissions from 3 submitters: Benign (1); Likely benign (2). Last evaluated 2024-08-22.

Conditions:
Familial cancer of breast. Also called: BREAST CANCER, FAMILIAL; Hereditary breast cancer; hereditary breast carcinoma. Identifiers: Orphanet 227535, MedGen C0346153, MONDO:0016419, OMIM 114480. Disease mechanism: loss of function.
Hereditary cancer-predisposing syndrome. Also called: Neoplastic Syndromes, Hereditary; Tumor predisposition; Hereditary neoplastic syndrome; Hereditary Cancer Syndrome. Identifiers: Orphanet 140162, MedGen C0027672, MeSH D009386, MONDO:0015356.
Fanconi anemia complementation group J. Also called: BRIP1-Related Fanconi Anemia. Identifiers: Orphanet 84, MedGen C1836860, MONDO:0012187, OMIM 609054.

Submissions (3):

Myriad Genetics, Inc.
Classification: Benign for Familial cancer of breast. Last evaluated: 2024-08-22. Review status: criteria provided, single submitter. Criteria: Myriad Autosomal Dominant, Autosomal Recessive and X-Linked Classification Criteria (2023). Collection method: clinical testing. Allele origin: unknown.
Comment: This variant is considered benign. This variant is a silent/synonymous amino acid change and it is not expected to impact splicing.

Labcorp Genetics (formerly Invitae), Labcorp
Classification: Likely benign for Familial cancer of breast; Fanconi anemia complementation group J. Last evaluated: 2023-07-30. Review status: criteria provided, single submitter. Criteria: Invitae Variant Classification Sherloc (09022015). Collection method: clinical testing. Allele origin: germline.

Ambry Genetics
Classification: Likely benign for Hereditary cancer-predisposing syndrome. Last evaluated: 2021-12-01. Review status: criteria provided, single submitter. Criteria: Ambry Variant Classification Scheme 2023. Collection method: clinical testing. Allele origin: germline.

NM_032043.3(BRIP1):c.756A>G (p.Thr252=)

Gene: BRIP1 (BRCA1 interacting DNA helicase 1; minus strand). Cytogenetic location: 17q23.2.
Variant type: single nucleotide variant.
Coding change: c.756A>G on transcript NM_032043.3 (MANE Select); coding-DNA position 756, A replaced by G.
Protein change: p.Thr252=; no amino-acid change (threonine 252 retained).
Molecular consequence: synonymous variant.
Genome position (GRCh38, 1-based): chr17:61,808,629, T>C on the plus strand (A>G on the coding strand, the complement: BRIP1 is on the minus strand). VCF-style: chr17-61808629-T-C. GRCh37 (hg19) VCF-style: chr17-59885990-T-C.
Identifiers: ClinVar variation 1759552 (VCV001759552.6), dbSNP rs2145418151, ClinGen allele CA501335604.
Genomic context (GRCh38, chr17:61,808,629, plus strand): 5'-TGGAACCCCTGAATATGCCGTCCTCCGGAGCTCTCTAGTAATCTGAGCAATCTGCTTGTG[T>C]GTGCGTGTCCCAAAATATATTTTGGGTATCTTGGATTTCCCTGTATGATCCTTCTTAATG-3'
Protein context (NP_114432.2, residues 242-262): KIPKIYFGTR[Thr252=]HKQIAQITRE